The following is an entry in ClinVar:

Single allele

Genes: CATSPER2 (cation channel sperm associated 2; minus strand), STRC (stereocilin; minus strand), LOC130056948 (ATAC-STARR-seq lymphoblastoid active region 9316; plus strand), LOC130056949 (ATAC-STARR-seq lymphoblastoid active region 9317; plus strand). Cytogenetic location: 15q15.3.
Variant type: Deletion.
Identifiers: ClinVar variation 157346 (VCV000157346.2).

ClinVar aggregate classification (germline): not provided. Review status: no classification provided (0 of 4 stars). 2 submissions from 1 submitter: not provided (2).

Conditions:
Preeclampsia. Identifiers: Orphanet 275555, MedGen C0032914, MONDO:0005081, HP:0100602.
Normal pregnancy. Identifiers: MedGen C0232989.

Submissions (2):

Institute of Molecular and Cell Biology, University of Tartu
No classification provided. Condition: Normal pregnancy. Review status: no classification provided. Collection method: case-control. Allele origin: unknown. Affected: yes. Study: Kasak2014.
Comment: The study aimed to determine the contribution of copy number variants in the genetic etiology of normal and complicated pregnancies. The samples represented (i) maternal blood DNA drawn from healthy pregnant women during 1st or 2nd trimester and (ii) maternal and paternal blood DNA drawn at term pregnancy cases representing normal and complicated gestations (severe preeclampsia, PE; gestational diabetes, GD; small-for-gestational age newborn, SGA; large-for-gestational age newborn, LGA). We performed CNV calling based on genome-wide genotyping dataset (Illumina HumanOmniExpress-24-v1 BeadChip) by applying three algorithms, QuantiSNP, GADA (Genome Alteration Detection Algorithm) and CNstream in parallel. The acquired CNV calls were merged with HD-CNV (Hotspot Detector for Copy Number Variants) program and only the CNVs predicted by at least two programs, were considered in subsequent analysis.

Institute of Molecular and Cell Biology, University of Tartu
No classification provided. Condition: Preeclampsia. Review status: no classification provided. Collection method: case-control. Allele origin: unknown. Affected: yes. Study: Kasak2014.
Comment: the same text as in the submission from Institute of Molecular and Cell Biology, University of Tartu above.

Literature cited by the submitters: PubMed 25666259.